The following is an entry in ClinVar:

NM_021044.4(DHH):c.324C>A (p.Asn108Lys)

Gene: DHH (desert hedgehog signaling molecule; minus strand). Cytogenetic location: 12q13.12.
Variant type: single nucleotide variant.
Coding change: c.324C>A on transcript NM_021044.4 (MANE Select); coding-DNA position 324, C replaced by A.
Protein change: p.Asn108Lys; replaces asparagine 108 with lysine.
Molecular consequence: missense variant.
Genome position (GRCh38, 1-based): chr12:49,091,369, G>T on the plus strand (C>A on the coding strand, the complement: DHH is on the minus strand). VCF-style: chr12-49091369-G-T. GRCh37 (hg19) VCF-style: chr12-49485152-G-T.
Other names: short protein forms N108K.
Identifiers: ClinVar variation 1490815 (VCV001490815.8), dbSNP rs750761379, ClinGen allele CA6549191.

ClinVar aggregate classification (germline): Uncertain significance (1 of 4 stars; one submission).

Conditions:
46,XY sex reversal 7. Also called: 46,XY GONADAL DYSGENESIS, PARTIAL OR COMPLETE, DHH-RELATED; DHH-Related 46,XY complete gonadal dysgenesis; GONADAL DYSGENESIS, XY, MALE-LIMITED; 46,XY SEX REVERSAL, PARTIAL OR COMPLETE, DHH-RELATED. Identifiers: Orphanet 242, MedGen C1856273, MONDO:0009301, OMIM 233420.

Allele frequency attached by ClinVar (database versions not stated): gnomAD exomes below 0.00001; ExAC 0.00001.
gnomAD v4.1: 1 of 1,614,190 alleles (0.000062%); highest among the groups gnomAD compares: South Asian, 0.0011%; no homozygotes.

Submission:

Labcorp Genetics (formerly Invitae), Labcorp
Classification: Uncertain significance for 46,XY sex reversal 7. Last evaluated: 2021-05-18. Review status: criteria provided, single submitter. Criteria: Invitae Variant Classification Sherloc (09022015). Collection method: clinical testing. Allele origin: germline.
Comment: In summary, the available evidence is currently insufficient to determine the role of this variant in disease. Therefore, it has been classified as a Variant of Uncertain Significance. Algorithms developed to predict the effect of missense changes on protein structure and function are either unavailable or do not agree on the potential impact of this missense change (SIFT: "Deleterious"; PolyPhen-2: "Probably Damaging"; Align-GVGD: "Class C0"). This variant has not been reported in the literature in individuals with DHH-related conditions. This variant is present in population databases (rs750761379, ExAC 0.006%). This sequence change replaces asparagine with lysine at codon 108 of the DHH protein (p.Asn108Lys). The asparagine residue is highly conserved and there is a moderate physicochemical difference between asparagine and lysine.